The following is an entry in ClinVar:

NM_001903.5(CTNNA1):c.1389+5del

Gene: CTNNA1 (catenin alpha 1; plus strand). Cytogenetic location: 5q31.2.
Variant type: Deletion.
Coding change: c.1389+5del on transcript NM_001903.5 (MANE Select); 5 bases into the intron after coding-DNA position 1389, one base deleted (A; older notation c.1389+5delA).
Molecular consequence: intron variant.
Genome position (GRCh38, 1-based): chr5:138,904,446, A deleted; the last of 3 consecutive A bases (chr5:138,904,444-138,904,446); deleting any one gives the same sequence. VCF-style (leftmost placement, unchanged base first): chr5-138904443-TA-T. GRCh37 (hg19) VCF-style: chr5-138240132-TA-T.
Other names: c.1389+5delA (NM_001903.2); c.1389+5del (NM_001323982.2, NM_001323984.2, NM_001290307.3 and 2 more transcripts); c.1297-13296del (NM_001323986.2); c.1020+5del (NM_001290310.3); c.1080+5del (NM_001290309.3); c.279+5del (NM_001323996.1, NM_001323993.1, NM_001324005.1 and 17 more transcripts); c.-119+5del (NM_001324007.1, NM_001324009.1, NM_001324006.1 and 1 more transcripts); c.36+5del (NM_001324013.1, NM_001324012.1); and 2 more.
Identifiers: ClinVar variation 4718882 (VCV004718882.2).

ClinVar aggregate classification (germline): Uncertain significance. Review status: criteria provided, multiple submitters, no conflicts (2 of 4 stars). 2 submissions from 2 submitters: Uncertain significance (2). Last evaluated 2026-01-28.

Conditions:
Hereditary cancer-predisposing syndrome. Also called: Neoplastic Syndromes, Hereditary; Tumor predisposition; Hereditary Cancer Syndrome; Hereditary neoplastic syndrome. Identifiers: Orphanet 140162, MedGen C0027672, MeSH D009386, MONDO:0015356.

Submissions (2):

Ambry Genetics
Classification: Uncertain significance for Hereditary cancer-predisposing syndrome. Last evaluated: 2026-01-28. Review status: criteria provided, single submitter. Criteria: Ambry Variant Classification Scheme 2023. Collection method: clinical testing. Allele origin: germline.
Comment: The c.1389+5delA intronic variant, located in intron 9 of the CTNNA1 gene, results from a deletion of one nucleotide within intron 9 of the CTNNA1 gene. This nucleotide position is well conserved in available vertebrate species. In silico splice site analysis predicts that this alteration will not have any significant effect on splicing. Based on the available evidence, the clinical significance of this variant remains unclear.

Labcorp Genetics (formerly Invitae), Labcorp
Classification: Uncertain significance. Last evaluated: 2025-05-04. Review status: criteria provided, single submitter. Criteria: Invitae Variant Classification Sherloc (09022015). Collection method: clinical testing. Allele origin: germline.
Comment: This sequence change falls in intron 10 of the CTNNA1 gene. It does not directly change the encoded amino acid sequence of the CTNNA1 protein. It affects a nucleotide within the consensus splice site. This variant is present in population databases (no rsID available, gnomAD 0.003%). This variant has not been reported in the literature in individuals affected with CTNNA1-related conditions. Variants that disrupt the consensus splice site are a relatively common cause of aberrant splicing (PMID: 17576681, 9536098). Algorithms developed to predict the effect of sequence changes on RNA splicing suggest that this variant is not likely to affect RNA splicing. In summary, the available evidence is currently insufficient to determine the role of this variant in disease. Therefore, it has been classified as a Variant of Uncertain Significance.

Literature cited by the submitters: PubMed 17576681 (cited by Labcorp Genetics (formerly Invitae), Labcorp); PubMed 9536098 (cited by Labcorp Genetics (formerly Invitae), Labcorp).